The following is an entry in ClinVar:

NM_133459.4(CCBE1):c.800C>T (p.Pro267Leu)

Gene: CCBE1 (collagen and calcium binding EGF domains 1; minus strand). Cytogenetic location: 18q21.32.
Variant type: single nucleotide variant.
Coding change: c.800C>T on transcript NM_133459.4 (MANE Select); coding-DNA position 800, C replaced by T.
Protein change: p.Pro267Leu; replaces proline 267 with leucine.
Molecular consequence: missense variant.
Genome position (GRCh38, 1-based): chr18:59,439,792, G>A on the plus strand (C>T on the coding strand, the complement: CCBE1 is on the minus strand). VCF-style: chr18-59439792-G-A. GRCh37 (hg19) VCF-style: chr18-57107024-G-A.
Other names: short protein forms P267L.
Identifiers: ClinVar variation 1478987 (VCV001478987.3), dbSNP rs749766791, ClinGen allele CA8980323.

ClinVar aggregate classification (germline): Uncertain significance (1 of 4 stars; one submission).

Allele frequency attached by ClinVar (database versions not stated): ExAC 0.00001; gnomAD 0.00001; TOPMed 0.00001.

Submission:

Labcorp Genetics (formerly Invitae), Labcorp
Classification: Uncertain significance. Last evaluated: 2022-07-14. Review status: criteria provided, single submitter. Criteria: Invitae Variant Classification Sherloc (09022015). Collection method: clinical testing. Allele origin: germline.
Comment: This sequence change replaces proline, which is neutral and non-polar, with leucine, which is neutral and non-polar, at codon 267 of the CCBE1 protein (p.Pro267Leu). This variant is not present in population databases (gnomAD no frequency). This variant has not been reported in the literature in individuals affected with CCBE1-related conditions. ClinVar contains an entry for this variant (Variation ID: 1478987). Algorithms developed to predict the effect of missense changes on protein structure and function are either unavailable or do not agree on the potential impact of this missense change (SIFT: "Deleterious"; PolyPhen-2: "Probably Damaging"; Align-GVGD: "Class C0"). In summary, the available evidence is currently insufficient to determine the role of this variant in disease. Therefore, it has been classified as a Variant of Uncertain Significance.